The following is an entry in ClinVar:

NM_004415.4(DSP):c.1577T>C (p.Ile526Thr)

Gene: DSP (desmoplakin; plus strand). Cytogenetic location: 6p24.3.
Variant type: single nucleotide variant.
Coding change: c.1577T>C on transcript NM_004415.4 (MANE Select); coding-DNA position 1577, T replaced by C.
Protein change: p.Ile526Thr; replaces isoleucine 526 with threonine.
Molecular consequence: missense variant.
Genome position (GRCh38, 1-based): chr6:7,570,439, T>C. VCF-style: chr6-7570439-T-C. GRCh37 (hg19) VCF-style: chr6-7570672-T-C.
Other names: c.1577T>C (LRG_423t1); c.1577T>C, p.Ile526Thr (NM_001008844.3, NM_001319034.2); short protein forms I526T.
Identifiers: ClinVar variation 572286 (VCV000572286.9), dbSNP rs1561689358, ClinGen allele CA362677975.

ClinVar aggregate classification (germline): Uncertain significance. Review status: criteria provided, multiple submitters, no conflicts (2 of 4 stars). 3 submissions from 3 submitters: Uncertain significance (3). Last evaluated 2023-11-02.

Conditions:
Cardiomyopathy (CMYO). Also called: Cardiomyopathies. Identifiers: Orphanet 167848, MedGen C0878544, MONDO:0004994, HP:0001638. Inheritance: Various modes of inheritance.
Arrhythmogenic cardiomyopathy with wooly hair and keratoderma. Also called: PALMOPLANTAR KERATODERMA WITH LEFT VENTRICULAR CARDIOMYOPATHY AND WOOLLY HAIR; Arrhythmogenic cardiomyopathy with woolly hair and keratoderma; Carvajal syndrome; Dilated cardiomyopathy with woolly hair and keratoderma. Identifiers: Orphanet 65282, MedGen C1854063, MONDO:0011581, OMIM 605676.
Arrhythmogenic right ventricular dysplasia 8 (ARVD8). Also called: Arrhythmogenic Right Ventricular Dysplasia/Cardiomyopathy 8; ARRHYTHMOGENIC RIGHT VENTRICULAR DYSPLASIA, FAMILIAL, 8; ARRHYTHMOGENIC RIGHT VENTRICULAR CARDIOMYOPATHY 8. Identifiers: MedGen C1843896, MONDO:0011831, OMIM 607450.

Allele frequency attached by ClinVar (database versions not stated): gnomAD exomes 0.00001.
gnomAD v4.1: 15 of 1,614,162 alleles (0.00093%); highest among the groups gnomAD compares: Non-Finnish European, 0.0013%; no homozygotes.

Submissions (3):

All of Us Research Program, National Institutes of Health
Classification: Uncertain significance for Arrhythmogenic cardiomyopathy with wooly hair and keratoderma. Last evaluated: 2023-11-02. Review status: criteria provided, single submitter. Criteria: ACMG Guidelines, 2015. Collection method: clinical testing. Allele origin: germline. Inheritance: Autosomal dominant inheritance. Observed: 1 variant allele, 1 heterozygote.
Comment: This missense variant replaces isoleucine with threonine at codon 526 of the DSP protein. Computational prediction is inconclusive regarding the impact of this variant on protein structure and function (internally defined REVEL score threshold 0.5 < inconclusive < 0.7, PMID: 27666373). To our knowledge, functional studies have not been reported for this variant. This variant has not been reported in individuals affected with cardiovascular disorders in the literature. This variant has not been identified in the general population by the Genome Aggregation Database (gnomAD). The available evidence is insufficient to determine the role of this variant in disease conclusively. Therefore, this variant is classified as a Variant of Uncertain Significance.

This study involves interpretation of variants in research participants for the purpose of population health screening. Participant phenotype was not available at the time of variant classification. Additional details can be found in publication PMID: 35346344, PMCID: PMC8962531

Color Diagnostics, LLC DBA Color Health
Classification: Uncertain significance for Cardiomyopathy. Last evaluated: 2023-10-19. Review status: criteria provided, single submitter. Criteria: ACMG Guidelines, 2015. Collection method: clinical testing. Allele origin: germline.
Comment: This missense variant replaces isoleucine with threonine at codon 526 of the DSP protein. Computational prediction is inconclusive regarding the impact of this variant on protein structure and function (internally defined REVEL score threshold 0.5 < inconclusive < 0.7, PMID: 27666373). To our knowledge, functional studies have not been reported for this variant. This variant has not been reported in individuals affected with cardiovascular disorders in the literature. This variant has not been identified in the general population by the Genome Aggregation Database (gnomAD). The available evidence is insufficient to determine the role of this variant in disease conclusively. Therefore, this variant is classified as a Variant of Uncertain Significance.

Labcorp Genetics (formerly Invitae), Labcorp
Classification: Uncertain significance for Arrhythmogenic cardiomyopathy with wooly hair and keratoderma; Arrhythmogenic right ventricular dysplasia 8. Last evaluated: 2021-08-25. Review status: criteria provided, single submitter. Criteria: Invitae Variant Classification Sherloc (09022015). Collection method: clinical testing. Allele origin: germline.
Comment: This sequence change replaces isoleucine with threonine at codon 526 of the DSP protein (p.Ile526Thr). The isoleucine residue is highly conserved and there is a moderate physicochemical difference between isoleucine and threonine. This variant is not present in population databases (ExAC no frequency). This variant has not been reported in the literature in individuals affected with DSP-related conditions. Algorithms developed to predict the effect of missense changes on protein structure and function are either unavailable or do not agree on the potential impact of this missense change (SIFT: "Tolerated"; PolyPhen-2: "Probably Damaging"; Align-GVGD: "Class C0"). In summary, the available evidence is currently insufficient to determine the role of this variant in disease. Therefore, it has been classified as a Variant of Uncertain Significance.